The following is an entry in ClinVar:

NM_004366.6(CLCN2):c.1115T>G (p.Leu372Arg)

Gene: CLCN2 (chloride voltage-gated channel 2; minus strand). Cytogenetic location: 3q27.1.
Variant type: single nucleotide variant.
Coding change: c.1115T>G on transcript NM_004366.6 (MANE Select); coding-DNA position 1115, T replaced by G.
Protein change: p.Leu372Arg; replaces leucine 372 with arginine.
Molecular consequence: missense variant.
Genome position (GRCh38, 1-based): chr3:184,355,749, A>C on the plus strand (T>G on the coding strand, the complement: CLCN2 is on the minus strand). VCF-style: chr3-184355749-A-C. GRCh37 (hg19) VCF-style: chr3-184073537-A-C.
Other names: c.1115T>G, p.Leu372Arg (NM_001171087.3, NM_001171089.3); c.983T>G, p.Leu328Arg (NM_001171088.3); short protein forms L328R, L372R.
Identifiers: ClinVar variation 1716101 (VCV001716101.5), dbSNP rs2474249848, ClinGen allele CA355453570.

ClinVar aggregate classification (germline): Uncertain significance (1 of 4 stars; one submission).

Submission:

Labcorp Genetics (formerly Invitae), Labcorp
Classification: Uncertain significance. Last evaluated: 2022-09-04. Review status: criteria provided, single submitter. Criteria: Invitae Variant Classification Sherloc (09022015). Collection method: clinical testing. Allele origin: germline.
Comment: In summary, the available evidence is currently insufficient to determine the role of this variant in disease. Therefore, it has been classified as a Variant of Uncertain Significance. Advanced modeling of protein sequence and biophysical properties (such as structural, functional, and spatial information, amino acid conservation, physicochemical variation, residue mobility, and thermodynamic stability) performed at Invitae indicates that this missense variant is expected to disrupt CLCN2 protein function. This variant has not been reported in the literature in individuals affected with CLCN2-related conditions. This variant is not present in population databases (gnomAD no frequency). This sequence change replaces leucine, which is neutral and non-polar, with arginine, which is basic and polar, at codon 372 of the CLCN2 protein (p.Leu372Arg).